The following is an entry in ClinVar:

NM_001365951.3(KIF1B):c.3340G>A (p.Gly1114Ser)

Gene: KIF1B (kinesin family member 1B; plus strand). Cytogenetic location: 1p36.22.
Variant type: single nucleotide variant.
Coding change: c.3340G>A on transcript NM_001365951.3 (MANE Select); coding-DNA position 3340, G replaced by A.
Protein change: p.Gly1114Ser; replaces glycine 1114 with serine.
Molecular consequence: missense variant.
Genome position (GRCh38, 1-based): chr1:10,337,451, G>A. VCF-style: chr1-10337451-G-A. GRCh37 (hg19) VCF-style: chr1-10397509-G-A.
Other names: c.3340G>A, p.Gly1114Ser (NM_001365952.1); c.3202G>A, p.Gly1068Ser (NM_015074.3); short protein forms G1114S, G1068S.
Identifiers: ClinVar variation 3288453 (VCV003288453.1).

ClinVar aggregate classification (germline): Uncertain significance (1 of 4 stars; one submission).

gnomAD v4.1: 8 of 1,614,160 alleles (0.0005%); highest among the groups gnomAD compares: Admixed American, 0.0017%; no homozygotes.

Submission:

Ambry Genetics
Classification: Uncertain significance. Last evaluated: 2024-05-16. Review status: criteria provided, single submitter. Criteria: Ambry Variant Classification Scheme 2023. Collection method: clinical testing. Allele origin: germline.
Comment: The p.G1068S variant (also known as c.3202G>A), located in coding exon 28 of the KIF1B gene, results from a G to A substitution at nucleotide position 3202. The glycine at codon 1068 is replaced by serine, an amino acid with similar properties. This amino acid position is conserved. In addition, this alteration is predicted to be deleterious by in silico analysis. Based on the available evidence, the clinical significance of this variant remains unclear.